The following is an entry in ClinVar:

ClinVar aggregate classification (germline): Uncertain significance. Review status: criteria provided, single submitter (1 of 4 stars). 2 submissions from 2 submitters: Uncertain significance (1). 1 of the submissions does not count toward it. Last evaluated 2025-12-03.

Conditions:
Aspartylglucosaminuria (AGU). Also called: GLYCOASPARAGINASE; GLYCOSYLASPARAGINASE DEFICIENCY; AGA DEFICIENCY; Aspartylglucos-aminuria; Aspartylglucos-amidase (AGA) deficiency. Identifiers: Orphanet 93, MedGen C0268225, MONDO:0008830, OMIM 208400, HP:0012068.

Allele frequency attached by ClinVar (database versions not stated): gnomAD exomes below 0.00001.

Submissions (2):

Labcorp Genetics (formerly Invitae), Labcorp
Classification: Uncertain significance for Aspartylglucosaminuria. Last evaluated: 2025-12-03. Review status: criteria provided, single submitter. Criteria: Invitae Variant Classification Sherloc (09022015). Collection method: clinical testing. Allele origin: germline.
Comment: This sequence change replaces glycine, which is neutral and non-polar, with glutamic acid, which is acidic and polar, at codon 103 of the AGA protein (p.Gly103Glu). This variant is not present in population databases (gnomAD no frequency). This variant has not been reported in the literature in individuals affected with AGA-related conditions. ClinVar contains an entry for this variant (Variation ID: 972180). Invitae Evidence Modeling of protein sequence and biophysical properties (such as structural, functional, and spatial information, amino acid conservation, physicochemical variation, residue mobility, and thermodynamic stability) indicates that this missense variant is expected to disrupt AGA protein function with a positive predictive value of 95%. In summary, the available evidence is currently insufficient to determine the role of this variant in disease. Therefore, it has been classified as a Variant of Uncertain Significance.

Natera, Inc.
Classification: Uncertain significance for Aspartylglucosaminuria. Last evaluated: 2021-07-29. Review status: no assertion criteria provided. Collection method: clinical testing. Allele origin: germline. Not counted in ClinVar's aggregate classification.

NM_000027.4(AGA):c.308G>A (p.Gly103Glu)

Gene: AGA (aspartylglucosaminidase; minus strand). Cytogenetic location: 4q34.3.
Variant type: single nucleotide variant.
Coding change: c.308G>A on transcript NM_000027.4 (MANE Select); coding-DNA position 308, G replaced by A.
Protein change: p.Gly103Glu; replaces glycine 103 with glutamic acid.
Molecular consequence: missense variant. On other transcripts: non-coding transcript variant (1).
Genome position (GRCh38, 1-based): chr4:177,439,662, C>T on the plus strand (G>A on the coding strand, the complement: AGA is on the minus strand). VCF-style: chr4-177439662-C-T. GRCh37 (hg19) VCF-style: chr4-178360816-C-T.
Other names: c.308G>A, p.Gly103Glu (NM_001171988.2); short protein forms G103E.
Identifiers: ClinVar variation 972180 (VCV000972180.14), dbSNP rs1736932419, ClinGen allele CA358783812.
Genomic context (GRCh38, chr4:177,439,662, plus strand): 5'-GTTGTATGTTCCAGTACTTTCCGTGCCACACCAATAGCATTTTTAATTCGTCTGAGATCT[C>T]CTACTGCTCCTACATCCATAGTAGTGCTGCAAGAAAATAGAATGCAGTTAGGAATTAAGG-3'
Protein context (NP_000018.2, residues 93-113): DGTTMDVGAV[Gly103Glu]DLRRIKNAIG